The following is an entry in ClinVar:

ClinVar aggregate classification (germline): Uncertain significance (1 of 4 stars; one submission).

Conditions:
SALL4-Related Disorders. Also called: SALL4-related disorder; SALL4-related condition. Identifiers: MedGen CN381056.

Submission:

PreventionGenetics, part of Exact Sciences
Classification: Uncertain significance for SALL4-related condition. Last evaluated: 2025-01-03. Review status: criteria provided, single submitter. Criteria: ACMG Guidelines, 2015. Collection method: clinical testing. Allele origin: germline.
Comment: The SALL4 c.35T>A variant is predicted to result in the amino acid substitution p.Ile12Asn. To our knowledge, this variant has not been reported in the literature or in a large population database (gnomAD), indicating this variant is rare. At this time, the clinical significance of this variant is uncertain due to the absence of conclusive functional and genetic evidence.

NM_020436.5(SALL4):c.35T>A (p.Ile12Asn)

Gene: SALL4 (spalt like transcription factor 4; minus strand). Cytogenetic location: 20q13.2.
Variant type: single nucleotide variant.
Coding change: c.35T>A on transcript NM_020436.5 (MANE Select); coding-DNA position 35, T replaced by A.
Protein change: p.Ile12Asn; replaces isoleucine 12 with asparagine.
Molecular consequence: missense variant.
Genome position (GRCh38, 1-based): chr20:51,802,374, A>T on the plus strand (T>A on the coding strand, the complement: SALL4 is on the minus strand). VCF-style: chr20-51802374-A-T. GRCh37 (hg19) VCF-style: chr20-50418913-A-T.
Other names: c.35T>A, p.Ile12Asn (NM_001318031.2); short protein forms I12N.
Identifiers: ClinVar variation 5001819 (VCV005001819.1).
Genomic context (GRCh38, chr20:51,802,374, plus strand): 5'-TCTGCAAACTCCGGGGTCTGCTGCTGCGGCTGCTGCTCGCCCTGGTCCTCCTCCGAGTTG[A>T]TGTGCTGGGGTTTCGCCTGCTTGCGCCTCGACATGGTGCGAGCATCGGGGCGCCGGGAGA-3'
Protein context (NP_065169.1, residues 2-22): SRRKQAKPQH[Ile12Asn]NSEEDQGEQQ